The following is an entry in ClinVar:

ClinVar aggregate classification (germline): Pathogenic (1 of 4 stars; one submission).

Conditions:
Oculocerebrodental syndrome (OCSKD). Also called: OCULOSKELETODENTAL SYNDROME; CATARACTS, EARLY-ONSET, WITH SKELETAL AND DENTAL ANOMALIES. Identifiers: Orphanet 557003, MedGen C5193101, MONDO:0034145, OMIM 618440.

gnomAD v4.1: 1 of 1,584,042 alleles (0.000063%); highest among the groups gnomAD compares: Non-Finnish European, 0.000086%; no homozygotes.

Submission:

Laboratory of Medical Genetics (UMR_S 1112), INSERM/Strasbourg University
Classification: Pathogenic for Oculocerebrodental syndrome. Review status: criteria provided, single submitter. Criteria: ACMG Guidelines, 2015. Collection method: clinical testing. Allele origin: maternal. Affected: yes. Observed: 1 variant allele, 1 compound heterozygote.
Comment: Variant is absent from control populations (gnomAD v3, 1000G) and has never been reported in patients with a similar phenotype. This variant, causing a substitution of the phenylalanine at position 1232 by a serine, is of uncertain significance (class 3) without further investigation. It was not previously reported in patients with similar phenotype nor in control database (GnomAD). The PIK3C2A protein is composed of several domains according to SMART including a RAS binding domain (RBD, 409-512), two Ca2+ binding motif (C2, 674-783 and 1573-1677), the PI3K accessory (PI3Ka, 861-1048) and catalytic domains (PI3Kc, 1134-1396) and a PHOX domain (PX, 1422-1534). The missense is located at a highly evolutionary conserved position. Structural modelling of the mutant protein highlights the possible LoF effect within the kinase catalytic domain due to the strong physicochemical impact. Bioinformatics predictions are in favor of a pathogenic variant including CADD (v1.6), REVEL (v2021-05-03), PolyPhen2 and SIFT. RNA expression analysis of this patient showed that this allele is the sole expressed. Further function analysis of the remaining protein allele showed a defective PI metabolism, defective ciliary metrics (longer cilia and overexpressed Shh pathway) and impaired proliferation capacity demonstrating the negative impact of this allele. This variant is found as a compound heterozygous to another variant (c.1024C>T, p.(Arg342*)), a classe 5 variant. This variant is classified as likely pathogenic (class 4).

NM_002645.4(PIK3C2A):c.3695T>C (p.Phe1232Ser)

Gene: PIK3C2A (phosphatidylinositol-4-phosphate 3-kinase catalytic subunit type 2 alpha; minus strand). Cytogenetic location: 11p15.1.
Variant type: single nucleotide variant.
Coding change: c.3695T>C on transcript NM_002645.4 (MANE Select); coding-DNA position 3695, T replaced by C.
Protein change: p.Phe1232Ser; replaces phenylalanine 1232 with serine.
Molecular consequence: missense variant.
Genome position (GRCh38, 1-based): chr11:17,102,818, A>G on the plus strand (T>C on the coding strand, the complement: PIK3C2A is on the minus strand). VCF-style: chr11-17102818-A-G. GRCh37 (hg19) VCF-style: chr11-17124365-A-G.
Other names: c.3695T>C, p.Phe1232Ser (NM_001321378.2); c.2555T>C, p.Phe852Ser (NM_001321380.2); c.3527T>C, p.Phe1176Ser (NM_001386870.1); short protein forms F1176S, F1232S, F852S.
Identifiers: ClinVar variation 3600988 (VCV003600988.1).